The following is an entry in ClinVar:

ClinVar aggregate classification (germline): Likely benign. Review status: criteria provided, multiple submitters, no conflicts (2 of 4 stars). 2 submissions from 2 submitters: Likely benign (2). Last evaluated 2025-04-30.

Allele frequency attached by ClinVar (database versions not stated): TOPMed 0.00002; 1000 Genomes Project 30x 0.00016; 1000 Genomes Project 0.00020; gnomAD 0.00029; ExAC 0.00031.
gnomAD v4.1: 243 of 1,614,054 alleles (0.015%); highest among the groups gnomAD compares: Admixed American, 0.0033%; no homozygotes.

Submissions (2):

Mayo Clinic Laboratories, Mayo Clinic
Classification: Likely benign. Last evaluated: 2025-04-30. Review status: criteria provided, single submitter. Criteria: ACMG Guidelines, 2015. Collection method: clinical testing. Allele origin: germline. Observed: 1 variant allele.
Comment: BS1, BP4

Labcorp Genetics (formerly Invitae), Labcorp
Classification: Likely benign. Last evaluated: 2024-03-03. Review status: criteria provided, single submitter. Criteria: Invitae Variant Classification Sherloc (09022015). Collection method: clinical testing. Allele origin: germline.

NM_015665.6(AAAS):c.356G>A (p.Arg119Gln)

Gene: AAAS (aladin WD repeat nucleoporin; minus strand). Cytogenetic location: 12q13.13.
Variant type: single nucleotide variant.
Coding change: c.356G>A on transcript NM_015665.6 (MANE Select); coding-DNA position 356, G replaced by A.
Protein change: p.Arg119Gln; replaces arginine 119 with glutamine.
Molecular consequence: missense variant.
Genome position (GRCh38, 1-based): chr12:53,315,378, C>T on the plus strand (G>A on the coding strand, the complement: AAAS is on the minus strand). VCF-style: chr12-53315378-C-T. GRCh37 (hg19) VCF-style: chr12-53709162-C-T.
Other names: p.Arg119Gln; c.356G>A, p.Arg119Gln (NM_001173466.2); short protein forms R119Q.
Identifiers: ClinVar variation 1991786 (VCV001991786.5), dbSNP rs201900849, ClinGen allele CA6599256.